The following is an entry in ClinVar:

ClinVar aggregate classification (germline): Pathogenic/Likely pathogenic. Review status: criteria provided, multiple submitters, no conflicts (2 of 4 stars). 2 submissions from 2 submitters: Pathogenic (1); Likely pathogenic (1). Last evaluated 2024-05-03.

Conditions:
BAP1-related tumor predisposition syndrome (TPDS1). Also called: Tumor susceptibility linked to germline BAP1 mutations; TUMOR PREDISPOSITION SYNDROME 1; COMMON Syndrome; BAP1 tumor predisposition syndrome. Identifiers: Orphanet 289539, MedGen C3280492, MONDO:0013692, OMIM 614327.
Hereditary cancer-predisposing syndrome. Also called: Hereditary neoplastic syndrome; Tumor predisposition; Neoplastic Syndromes, Hereditary; Hereditary Cancer Syndrome. Identifiers: Orphanet 140162, MedGen C0027672, MeSH D009386, MONDO:0015356.

Submissions (4):

Ambry Genetics
Classification: Pathogenic for Hereditary cancer-predisposing syndrome. Last evaluated: 2024-05-03. Review status: criteria provided, single submitter. Criteria: Ambry Variant Classification Scheme 2023. Collection method: clinical testing. Allele origin: germline.
Comment: The c.660-2A>G intronic pathogenic mutation results from an A to G substitution two nucleotides upstream from coding exon 9 in the BAP1 gene. This variant has been observed in multiple individuals with a personal and/or family history that is consistent with BAP1-associated disease (Ambry internal data).This variant is considered to be rare based on population cohorts in the Genome Aggregation Database (gnomAD). This nucleotide position is highly conserved in available vertebrate species. In silico splice site analysis predicts that this alteration will weaken the native splice acceptor site and may result in the creation or strengthening of a novel splice acceptor site. Alterations that disrupt the canonical splice site are expected to cause aberrant splicing, resulting in an abnormal protein or a transcript that is subject to nonsense-mediated mRNA decay. As such, this alteration is classified as a disease-causing mutation.

Labcorp Genetics (formerly Invitae), Labcorp
Classification: Likely pathogenic for BAP1-related tumor predisposition syndrome. Last evaluated: 2018-06-13. Review status: criteria provided, single submitter. Criteria: Invitae Variant Classification Sherloc (09022015). Collection method: clinical testing. Allele origin: germline.
Comment: This variant is not present in population databases (ExAC no frequency). This variant has been observed in an individual affected with rhabdoid meningioma (PMID: 28170043). Donor and acceptor splice site variants typically lead to a loss of protein function (PMID: 16199547), and loss-of-function variants in BAP1 are known to be pathogenic (PMID: 21874000, 23684012). In summary, the currently available evidence indicates that the variant is pathogenic, but additional data are needed to prove that conclusively. Therefore, this variant has been classified as Likely Pathogenic. This sequence change affects an acceptor splice site in intron 8 of the BAP1 gene. It is expected to disrupt RNA splicing and likely results in an absent or disrupted protein product.

Dr. Peter K. Rogan Lab, Western University
No classification provided (evidence only). Condition: Mesothelioma. Review status: no classification provided. Collection method: in vitro. Allele origin: not applicable. Functional consequence: retained intron. Not counted in ClinVar's aggregate classification.

MutSpliceDB: a database of splice sites variants effects on splicing, NIH
No classification provided (evidence only). Review status: no classification provided. Collection method: in vivo. Allele origin: not applicable. Functional consequence: retained intron. Not counted in ClinVar's aggregate classification.

Literature cited by the submitters: PubMed 28170043 (cited by Labcorp Genetics (formerly Invitae), Labcorp); PubMed 16199547 (cited by Labcorp Genetics (formerly Invitae), Labcorp); PubMed 21874000 (cited by Labcorp Genetics (formerly Invitae), Labcorp); PubMed 23684012 (cited by Labcorp Genetics (formerly Invitae), Labcorp).

NM_004656.4(BAP1):c.660-2A>G

Gene: BAP1 (BRCA1 associated deubiquitinase 1; minus strand). Cytogenetic location: 3p21.1.
Variant type: single nucleotide variant.
Coding change: c.660-2A>G on transcript NM_004656.4 (MANE Select); the canonical splice acceptor site of the intron before coding-DNA position 660, A replaced by G.
Molecular consequence: splice acceptor variant. On other transcripts: intron variant (1).
Genome position (GRCh38, 1-based): chr3:52,406,378, T>C on the plus strand (A>G on the coding strand, the complement: BAP1 is on the minus strand). VCF-style: chr3-52406378-T-C. GRCh37 (hg19) VCF-style: chr3-52440394-T-C.
Other names: NM_004656.4:c.660-2A>G; c.660-56A>G (NM_001410772.1).
Identifiers: ClinVar variation 572114 (VCV000572114.13), dbSNP rs1559589809, ClinGen allele CA353107671.